The following is an entry in ClinVar:

NM_016327.3(UPB1):c.104+5G>A

Gene: UPB1 (beta-ureidopropionase 1; plus strand). Cytogenetic location: 22q11.23.
Variant type: single nucleotide variant.
Coding change: c.104+5G>A on transcript NM_016327.3 (MANE Select); 5 bases into the intron after coding-DNA position 104, G replaced by A.
Molecular consequence: intron variant.
Genome position (GRCh38, 1-based): chr22:24,495,512, G>A. VCF-style: chr22-24495512-G-A. GRCh37 (hg19) VCF-style: chr22-24891480-G-A.
Identifiers: ClinVar variation 5031599 (VCV005031599.1).
Genomic context (GRCh38, chr22:24,495,512, plus strand): 5'-CTGCCGCTCCCCGACTTGCAGGAAGTGAAGCGCGTTCTCTATGGCAAGGAACTCAGGTCC[G>A]CAGCCAAGAGGCTAAGCTAATGGGGTCTTGGGGCCACAGAGTGTGGGTCTGGGGGAGCAG-3'

ClinVar aggregate classification (germline): Uncertain significance (1 of 4 stars; one submission).

Conditions:
Inborn genetic diseases. Identifiers: MedGen C0950123, MeSH D030342.

gnomAD v4.1: 46 of 1,613,824 alleles (0.0029%); highest among the groups gnomAD compares: Non-Finnish European, 0.0039%; no homozygotes.

Submission:

Ambry Genetics
Classification: Uncertain significance for Inborn genetic diseases. Last evaluated: 2026-08-31. Review status: criteria provided, single submitter. Criteria: Ambry Variant Classification Scheme 2023. Collection method: clinical testing. Allele origin: germline.
Comment: The c.104+5G>A intronic variant consists of a G to A substitution 5 nucleotides after exon 1 (coding exon 1) in the UPB1 gene. This variant was not reported in population-based cohorts in the Genome Aggregation Database (gnomAD). This nucleotide position is highly conserved in available vertebrate species. In silico splice site analysis predicts that this alteration may weaken the native splice donor site. Based on insufficient or conflicting evidence, the clinical significance of this alteration remains unclear.